The following is an entry in ClinVar:

NM_001364171.2(ODAD1):c.1629CGC[5] (p.Ala547dup)

Gene: ODAD1 (outer dynein arm docking complex subunit 1; minus strand). Cytogenetic location: 19q13.33.
Variant type: Microsatellite.
Coding change: c.1629CGC[5] on transcript NM_001364171.2 (MANE Select); five copies in a row of the 3-base unit CGC starting at c.1629; the reference has four copies in a row; one copy, 3 bases duplicated.
Protein change: p.Ala547dup; duplicates alanine 547.
Molecular consequence: inframe insertion.
Genome position (GRCh38, 1-based): chr19:48,297,460-48,297,462, GCG duplicated on the plus strand (CGC on the coding strand, the reverse complement: ODAD1 is on the minus strand); duplicating any 3 consecutive bases within chr19:48,297,460-48,297,473 gives the same sequence; the position shown is the placement nearest the transcript's 3' end. VCF-style (leftmost placement, unchanged base first): chr19-48297459-C-CGCG. GRCh37 (hg19) VCF-style: chr19-48800716-C-CGCG.
Other names: c.1527_1529dup (NM_144577.3); c.1518CGC[5], p.Ala510dup (NM_144577.4).
Identifiers: ClinVar variation 406184 (VCV000406184.26), dbSNP rs761748771, ClinGen allele CA9548595.

ClinVar aggregate classification (germline): Likely benign. Review status: criteria provided, multiple submitters, no conflicts (2 of 4 stars). 4 submissions from 4 submitters: Likely benign (3). 1 of the submissions does not count toward it. Last evaluated 2026-01-18.

Conditions:
ODAD1-related disorder. Also called: ODAD1-related condition.
Primary ciliary dyskinesia. Also called: Ciliary dyskinesia. Identifiers: Orphanet 244, MedGen C0008780, MONDO:0016575, HP:0012265.

Submissions (4):

Labcorp Genetics (formerly Invitae), Labcorp
Classification: Likely benign for Primary ciliary dyskinesia. Last evaluated: 2026-01-18. Review status: criteria provided, single submitter. Criteria: Invitae Variant Classification Sherloc (09022015). Collection method: clinical testing. Allele origin: germline.

Blueprint Genetics
Classification: Likely benign. Last evaluated: 2024-11-26. Review status: criteria provided, single submitter. Criteria: ACMG Guidelines, 2015. Collection method: clinical testing. Allele origin: germline.

Ambry Genetics
Classification: Likely benign for Primary ciliary dyskinesia. Last evaluated: 2022-04-22. Review status: criteria provided, single submitter. Criteria: Ambry Variant Classification Scheme 2023. Collection method: clinical testing. Allele origin: germline.

PreventionGenetics, part of Exact Sciences
Classification: Likely benign for ODAD1-related condition. Last evaluated: 2022-10-20. Review status: no assertion criteria provided. Collection method: clinical testing. Allele origin: germline. Not counted in ClinVar's aggregate classification.
Comment: This variant is classified as likely benign based on ACMG/AMP sequence variant interpretation guidelines (Richards et al. 2015 PMID: 25741868, with internal and published modifications).